The following is an entry in ClinVar:

ClinVar aggregate classification (germline): Uncertain significance (1 of 4 stars; one submission).

Conditions:
Short-rib thoracic dysplasia 14 with polydactyly (SRTD14). Identifiers: Orphanet 397715, MedGen C4225286, MONDO:0014688, OMIM 616546.
Joubert syndrome 23 (JBTS23). Identifiers: Orphanet 475, MedGen C4084822, MONDO:0014664, OMIM 616490.

Submission:

Labcorp Genetics (formerly Invitae), Labcorp
Classification: Uncertain significance for Joubert syndrome 23; Short-rib thoracic dysplasia 14 with polydactyly. Last evaluated: 2023-06-30. Review status: criteria provided, single submitter. Criteria: Invitae Variant Classification Sherloc (09022015). Collection method: clinical testing. Allele origin: germline.
Comment: This sequence change falls in intron 7 of the KIAA0586 gene. It does not directly change the encoded amino acid sequence of the KIAA0586 protein. This variant is not present in population databases (gnomAD no frequency). This variant has not been reported in the literature in individuals affected with KIAA0586-related conditions. Algorithms developed to predict the effect of sequence changes on RNA splicing suggest that this variant may disrupt the consensus splice site. In summary, the available evidence is currently insufficient to determine the role of this variant in disease. Therefore, it has been classified as a Variant of Uncertain Significance.

NM_001329943.3(KIAA0586):c.585+10_585+11insGGCCGGGCGCGGTGGCTCACGCCTGTAATCCCAGCACTTTGGGAGGCCGAGGCGGGCGGATCACGAGNNNNNNNNNNAAAAAAAAAAAAAAAAAAAAAAAAAAAAAAAAAAAAAAAGGTATATTTTT

Gene: KIAA0586 (KIAA0586; plus strand). Cytogenetic location: 14q23.1.
Variant type: Insertion.
Coding change: c.585+10_585+11insGGCCGGGCGCGGTGGCTCACGCCTGTAATCCCAGCACTTTGGGAGGCCGAGGCGGGCGGATCACGAGNNNNNNNNNNAAAAAAAAAAAAAAAAAAAAAAAAAAAAAAAAAAAAAAAGGTATATTTTT on transcript NM_001329943.3 (MANE Select); bases 10 to 11 of the intron after coding-DNA position 585, GGCCGGGCGCGGTGGCTCACGCCTGTAATCCCAGCACTTTGGGAGGCCGAGGCGGGCGGATCACGAGNNNNNNNNNNAAAAAAAAAAAAAAAAAAAAAAAAAAAAAAAAAAAAAAAGGTATATTTTT inserted.
Molecular consequence: splice donor variant.
Genome position: GRCh38: chr14:58,442,890-58,442,891. GRCh37 (hg19): chr14:58,909,608-58,909,609.
Other names: c.330+10_330+11insGGCCGGGCGCGGTGGCTCACGCCTGTAATCCCAGCACTTTGGGAGGCCGAGGCGGGCGGATCACGAGNNNNNNNNNNAAAAAAAAAAAAAAAAAAAAAAAAAAAAAAAAAAAAAAAGGTATATTTTT (NM_001364701.2, NM_001329945.2, NM_001364700.1 and 1 more transcripts); c.165+10_165+11insGGCCGGGCGCGGTGGCTCACGCCTGTAATCCCAGCACTTTGGGAGGCCGAGGCGGGCGGATCACGAGNNNNNNNNNNAAAAAAAAAAAAAAAAAAAAAAAAAAAAAAAAAAAAAAAGGTATATTTTT (NM_001244193.2); c.744+10_744+11insGGCCGGGCGCGGTGGCTCACGCCTGTAATCCCAGCACTTTGGGAGGCCGAGGCGGGCGGATCACGAGNNNNNNNNNNAAAAAAAAAAAAAAAAAAAAAAAAAAAAAAAAAAAAAAAGGTATATTTTT (NM_001244189.2); c.540+10_540+11insGGCCGGGCGCGGTGGCTCACGCCTGTAATCCCAGCACTTTGGGAGGCCGAGGCGGGCGGATCACGAGNNNNNNNNNNAAAAAAAAAAAAAAAAAAAAAAAAAAAAAAAAAAAAAAAGGTATATTTTT (NM_001244190.2); c.453+10_453+11insGGCCGGGCGCGGTGGCTCACGCCTGTAATCCCAGCACTTTGGGAGGCCGAGGCGGGCGGATCACGAGNNNNNNNNNNAAAAAAAAAAAAAAAAAAAAAAAAAAAAAAAAAAAAAAAGGTATATTTTT (NM_001244192.2); c.585+10_585+11insGGCCGGGCGCGGTGGCTCACGCCTGTAATCCCAGCACTTTGGGAGGCCGAGGCGGGCGGATCACGAGNNNNNNNNNNAAAAAAAAAAAAAAAAAAAAAAAAAAAAAAAAAAAAAAAGGTATATTTTT (NM_001329944.2, NM_001329946.2, NM_001329947.2 and 1 more transcripts).
Identifiers: ClinVar variation 2949467 (VCV002949467.3), dbSNP rs2542791752.